The following is an entry in ClinVar:

ClinVar aggregate classification (germline): Uncertain significance. Review status: criteria provided, single submitter (1 of 4 stars). 2 submissions from 2 submitters: Uncertain significance (1). 1 of the submissions does not count toward it. Last evaluated 2021-08-27.

Conditions:
Spondylocostal dysostosis 2, autosomal recessive (SCDO2). Also called: Spondylocostal dysostosis type 2; MESP2-Related Spondylocostal Dysostosis, Autosomal Recessive. Identifiers: Orphanet 2311, MedGen C1837549, MONDO:0012097, OMIM 608681.

Submissions (2):

Labcorp Genetics (formerly Invitae), Labcorp
Classification: Uncertain significance. Last evaluated: 2021-08-27. Review status: criteria provided, single submitter. Criteria: Invitae Variant Classification Sherloc (09022015). Collection method: clinical testing. Allele origin: germline.
Comment: This variant, c.192_203dup, results in the insertion of 4 amino acid(s) to the MESP2 protein (p.Glu65_Ala68dup), but otherwise preserves the integrity of the reading frame. The frequency data for this variant in the population databases is considered unreliable, as metrics indicate insufficient coverage at this position in the ExAC database. This variant has not been reported in the literature in individuals affected with MESP2-related conditions. ClinVar contains an entry for this variant (Variation ID: 549989). Experimental studies and prediction algorithms are not available or were not evaluated, and the functional significance of this variant is currently unknown. In summary, the available evidence is currently insufficient to determine the role of this variant in disease. Therefore, it has been classified as a Variant of Uncertain Significance.

Counsyl
Classification: Uncertain significance for Spondylocostal dysostosis 2, autosomal recessive. Last evaluated: 2017-12-22. Review status: no assertion criteria provided. Collection method: clinical testing. Allele origin: unknown. Not counted in ClinVar's aggregate classification.

NM_001039958.2(MESP2):c.192_203dup (p.Glu65_Ala68dup)

Gene: MESP2 (mesoderm posterior bHLH transcription factor 2; plus strand). Cytogenetic location: 15q26.1.
Variant type: Duplication.
Coding change: c.192_203dup on transcript NM_001039958.2 (MANE Select); coding-DNA positions 192 to 203, 12 bases duplicated (AGAGGCAGCCGC).
Protein change: p.Glu65_Ala68dup.
Molecular consequence: inframe insertion.
Genome position (GRCh38, 1-based): chr15:89,776,549-89,776,560, AGAGGCAGCCGC duplicated; duplicating any 12 consecutive bases within chr15:89,776,543-89,776,560 gives the same sequence; the c. name uses the placement nearest the transcript's 3' end. VCF-style (leftmost placement, unchanged base first): chr15-89776542-G-GAGCCGCAGAGGC. GRCh37 (hg19) VCF-style: chr15-90319773-G-GAGCCGCAGAGGC.
Identifiers: ClinVar variation 549989 (VCV000549989.4), dbSNP rs1468688261, ClinGen allele CA619858918.